The following is an entry in ClinVar:

NM_001039213.4(CEACAM16):c.1125G>A (p.Ala375=)

Genes: CEACAM16 (CEA cell adhesion molecule 16, tectorial membrane component; plus strand), CEACAM16-AS1 (CEACAM16, CEACAM19 and PVR antisense RNA 1; minus strand). Cytogenetic location: 19q13.32.
Variant type: single nucleotide variant.
Coding change: c.1125G>A on transcript NM_001039213.4 (MANE Select); coding-DNA position 1125, G replaced by A.
Protein change: p.Ala375=; no amino-acid change (alanine 375 retained).
Molecular consequence: synonymous variant.
Genome position (GRCh38, 1-based): chr19:44,708,045, G>A. VCF-style: chr19-44708045-G-A. GRCh37 (hg19) VCF-style: chr19-45211317-G-A.
Identifiers: ClinVar variation 500429 (VCV000500429.29), dbSNP rs373050209, ClinGen allele CA9503239.
Genomic context (GRCh38, chr19:44,708,045, plus strand): 5'-CTCCGAGCCCAACCGGCTGCTCAGCCAGCTGCCGTCAGGAACCTGGATTGCAGGCCCCGC[G>A]CACACAGGCCGGGAGGTGGGCTTCCCCAACTGCTCGCTGTTGGTGCAGAAGCTGAACCTC-3'
Protein context (NP_001034302.2, residues 365-385): LPSGTWIAGP[Ala375=]HTGREVGFPN

ClinVar aggregate classification (germline): Conflicting classifications of pathogenicity. Review status: criteria provided, conflicting classifications (1 of 4 stars). 7 submissions from 7 submitters: Uncertain significance (1); Benign (1); Likely benign (5). Last evaluated 2026-01-13.

Conditions:
CEACAM16-related disorder. Also called: CEACAM16-related condition.

Allele frequency attached by ClinVar (database versions not stated): 1000 Genomes Project 0.00020; ESP Exome Variant Server 0.00024; gnomAD exomes 0.00024 and 0.00045; gnomAD 0.00031 and 0.00033; ExAC 0.00045; TOPMed 0.00059; 1000 Genomes Project 30x 0.00062.

Submissions (7):

PreventionGenetics, part of Exact Sciences
Classification: Likely benign for CEACAM16-related condition. Last evaluated: 2026-01-13. Review status: criteria provided, single submitter. Criteria: ACMG Guidelines, 2015. Collection method: clinical testing. Allele origin: germline.
Comment: This variant is classified as likely benign based on ACMG/AMP sequence variant interpretation guidelines (Richards et al. 2015 PMID: 25741868, with internal and published modifications).

Labcorp Genetics (formerly Invitae), Labcorp
Classification: Benign. Last evaluated: 2025-08-25. Review status: criteria provided, single submitter. Criteria: Invitae Variant Classification Sherloc (09022015). Collection method: clinical testing. Allele origin: germline.

CeGaT Center for Human Genetics Tuebingen
Classification: Likely benign. Last evaluated: 2025-07-01. Review status: criteria provided, single submitter. Criteria: CeGaT Center For Human Genetics Tuebingen Variant Classification Criteria Version 2. Collection method: clinical testing. Allele origin: germline. Affected: yes. Observed: 1 variant allele.
Comment: CEACAM16: BP4, BP7

Blueprint Genetics
Classification: Likely benign. Last evaluated: 2024-11-01. Review status: criteria provided, single submitter. Criteria: ACMG Guidelines, 2015. Collection method: clinical testing. Allele origin: germline.

GeneDx
Classification: Likely benign. Last evaluated: 2019-12-02. Review status: criteria provided, single submitter. Criteria: GeneDx Variant Classification Process June 2021. Collection method: clinical testing. Allele origin: germline. Affected: yes.

Eurofins Ntd Llc (ga)
Classification: Uncertain significance. Last evaluated: 2017-02-27. Review status: criteria provided, single submitter. Criteria: EGL Classification Definitions 2015. Collection method: clinical testing. Allele origin: germline. Observed: 1 variant allele, 1 heterozygote.

Laboratory for Molecular Medicine, Mass General Brigham Personalized Medicine
Classification: Likely benign. Last evaluated: 2014-11-24. Review status: criteria provided, single submitter. Criteria: LMM Criteria. Collection method: clinical testing. Allele origin: germline. Observed: 1 variant allele.
Comment: Ala375Ala in exon 6 of CEACAM16: This variant is not expected to have clinical s ignificance because it does not alter an amino acid residue and is not located w ithin the splice consensus sequence. It has been identified in 3/8312 European A merican chromosomes from a broad population by the NHLBI Exome Sequencing Projec t.